The following is an entry in ClinVar:

ClinVar aggregate classification (germline): Uncertain significance. Review status: criteria provided, multiple submitters, no conflicts (2 of 4 stars). 2 submissions from 2 submitters: Uncertain significance (2). Last evaluated 2024-11-20.

Conditions:
Inborn genetic diseases. Identifiers: MedGen C0950123, MeSH D030342.
Neuropathy, hereditary sensory, type 1F. Also called: HSN IF; Hereditary sensory neuropathy type IF. Identifiers: Orphanet 36386, MedGen C3810194, MONDO:0014286, OMIM 615632.

Allele frequency attached by ClinVar (database versions not stated): gnomAD exomes below 0.00001 and 0.00001; TOPMed 0.00001; 1000 Genomes Project 30x 0.00016.
gnomAD v4.1: 10 of 1,609,386 alleles (0.00062%); highest among the groups gnomAD compares: East Asian, 0.0022%; no homozygotes.

Submissions (2):

Labcorp Genetics (formerly Invitae), Labcorp
Classification: Uncertain significance for Neuropathy, hereditary sensory, type 1F. Last evaluated: 2024-11-20. Review status: criteria provided, single submitter. Criteria: Invitae Variant Classification Sherloc (09022015). Collection method: clinical testing. Allele origin: germline.
Comment: This sequence change replaces leucine, which is neutral and non-polar, with valine, which is neutral and non-polar, at codon 162 of the ATL3 protein (p.Leu162Val). This variant is present in population databases (no rsID available, gnomAD 0.0009%). This variant has not been reported in the literature in individuals affected with ATL3-related conditions. ClinVar contains an entry for this variant (Variation ID: 1046127). Invitae Evidence Modeling of protein sequence and biophysical properties (such as structural, functional, and spatial information, amino acid conservation, physicochemical variation, residue mobility, and thermodynamic stability) indicates that this missense variant is expected to disrupt ATL3 protein function with a positive predictive value of 80%. Algorithms developed to predict the effect of sequence changes on RNA splicing suggest that this variant may create or strengthen a splice site. In summary, the available evidence is currently insufficient to determine the role of this variant in disease. Therefore, it has been classified as a Variant of Uncertain Significance.

Ambry Genetics
Classification: Uncertain significance for Inborn genetic diseases. Last evaluated: 2023-01-03. Review status: criteria provided, single submitter. Criteria: Ambry Variant Classification Scheme 2023. Collection method: clinical testing. Allele origin: germline.

NM_015459.5(ATL3):c.484C>G (p.Leu162Val)

Genes: ATL3 (atlastin GTPase 3; minus strand), LNCROPM (lncRNA regulator of PLAAT3 mediated phospholipid metabolism; plus strand). Cytogenetic location: 11q13.1.
Variant type: single nucleotide variant.
Coding change: c.484C>G on transcript NM_015459.5 (MANE Select); coding-DNA position 484, C replaced by G.
Protein change: p.Leu162Val; replaces leucine 162 with valine.
Molecular consequence: missense variant.
Genome position (GRCh38, 1-based): chr11:63,652,497, G>C on the plus strand (C>G on the coding strand, the complement: ATL3 is on the minus strand). VCF-style: chr11-63652497-G-C. GRCh37 (hg19) VCF-style: chr11-63419969-G-C.
Other names: c.484C>G (NM_015459.3); c.430C>G, p.Leu144Val (NM_001290048.2); short protein forms L144V, L162V.
Identifiers: ClinVar variation 1046127 (VCV001046127.10), dbSNP rs1386915087, ClinGen allele CA381027473.